The following is an entry in ClinVar:

ClinVar aggregate classification (germline): Pathogenic (1 of 4 stars; one submission).

Conditions:
Hereditary cancer-predisposing syndrome. Also called: Neoplastic Syndromes, Hereditary; Tumor predisposition; Hereditary Cancer Syndrome; Hereditary neoplastic syndrome. Identifiers: Orphanet 140162, MedGen C0027672, MeSH D009386, MONDO:0015356.

Submission:

Ambry Genetics
Classification: Pathogenic for Hereditary cancer-predisposing syndrome. Last evaluated: 2020-10-27. Review status: criteria provided, single submitter. Criteria: Ambry Variant Classification Scheme 2023. Collection method: clinical testing. Allele origin: germline.
Comment: The c.3453_3459delCCCACCT pathogenic mutation, located in coding exon 13 of the PALB2 gene, results from a deletion of 7 nucleotides at nucleotide positions 3453 to 3459, causing a translational frameshift with a predicted alternate stop codon (p.P1152Sfs*9). This alteration occurs at the 3' terminus of thePALB2 gene, is not expected to trigger nonsense-mediated mRNA decay, and only impacts the last 27 amino acids of the protein. However, premature stop codons are typically deleterious in nature and these 3' amino acids are part of the functionally critical WD40 domain that is necessary for PALB2 function, stability, and interaction with BRCA2 (Oliver AW et al. EMBO Rep., 2009 Sep;10:990-6). Truncating mutations located downstream of this alteration have been identified in individuals with breast cancer, pancreatic cancer, and Fanconia anemia (Hofstatter EW et al. Fam. Cancer. 2011 Jun;10:225-31; Tischkowitz M et al. Hum. Mutat. 2012 Apr;33:674-80; Pritzlaff M et al. Breast Cancer Res. Treat. 2017 Feb;161:575-586; Dudley B et al. Cancer. 2018 Apr;124:1691-1700; Reid S et al. Nat. Genet. 2007 Feb;39:162-4). This alteration is expected to result in loss of function by premature protein truncation. Based on the supporting evidence, this alteration is interpreted as a disease-causing mutation.

NM_024675.4(PALB2):c.3453_3459del (p.Pro1152fs)

Gene: PALB2 (partner and localizer of BRCA2; minus strand). Cytogenetic location: 16p12.2.
Variant type: Deletion.
Coding change: c.3453_3459del on transcript NM_024675.4 (MANE Select); coding-DNA positions 3453 to 3459, 7 bases deleted (CCCACCT; older notation c.3453_3459delCCCACCT).
Protein change: p.Pro1152fs; shifts the reading frame from proline 1152.
Molecular consequence: frameshift variant.
Genome position (GRCh38, 1-based): chr16:23,603,561-23,603,567, AGGTGGG deleted on the plus strand (CCCACCT on the coding strand, the reverse complement: PALB2 is on the minus strand); deleting any 7 consecutive bases within chr16:23,603,561-23,603,570 gives the same sequence; the c. name uses the placement nearest the transcript's 3' end. VCF-style (leftmost placement, unchanged base first): chr16-23603560-CAGGTGGG-C. GRCh37 (hg19) VCF-style: chr16-23614881-CAGGTGGG-C.
Other names: c.3390_3396delCCTCCCA, p.Pro1132Serfs (NM_001407296.1); c.3378_3384delCCTCCCA, p.Pro1128Serfs (NM_001407297.1); c.3288_3294delCCTCCCA, p.Pro1098Serfs (NM_001407298.1); c.3213_3219delCCTCCCA, p.Pro1073Serfs (NM_001407299.1); c.3171_3177delCCTCCCA, p.Pro1059Serfs (NM_001407300.1); c.*85_*91delCCTCCCA (NM_001407301.1, NM_001407302.1, NM_001407310.1 and 2 more transcripts); c.2565_2571delCCTCCCA, p.Pro857Serfs (NM_001407304.1, NM_001407305.1, NM_001407306.1); c.2403_2409delCCTCCCA, p.Pro803Serfs (NM_001407307.1); and 4 more; short protein forms P1152fs.
Identifiers: ClinVar variation 1731577 (VCV001731577.2), dbSNP rs2506196450, ClinGen allele CA2580091248.
Genomic context (GRCh38, chr16:23,603,560, plus strand): 5'-CAGCCAGCAAATGAGAGTCTGTACCCGACCATTTCACAAAAGACCAATGTTGGTCAGAGA[CAGGTGGG>C]AGGAGGGCAGTACACTGACCGAGAAGTAAGTCCCAAATGGCAATTGTTCCAGAAGTCAAG-3'